The following is an entry in ClinVar:

NM_005861.4(STUB1):c.832del (p.Glu278fs)

Genes: JMJD8 (jumonji domain containing 8; minus strand), STUB1 (STIP1 homology and U-box containing protein 1; plus strand). Cytogenetic location: 16p13.3.
Variant type: Deletion.
Coding change: c.832del on transcript NM_005861.4 (MANE Select); coding-DNA position 832, one base deleted (G; older notation c.832delG).
Protein change: p.Glu278fs; shifts the reading frame from glutamic acid 278.
Molecular consequence: frameshift variant. On other transcripts: 3 prime UTR variant (5), non-coding transcript variant (3).
Genome position (GRCh38, 1-based): chr16:682,409, G deleted; the last of 2 consecutive G bases (chr16:682,408-682,409); deleting either gives the same sequence. VCF-style (leftmost placement, unchanged base first): chr16-682407-AG-A. GRCh37 (hg19) VCF-style: chr16-732407-AG-A.
Other names: c.616del, p.Glu206fs (NM_001293197.2); c.*386del (NM_001005920.4, NM_001323919.3, NM_001323920.3); c.*420del (NM_001323918.3, NM_001323922.3); short protein forms E278fs, E206fs.
Identifiers: ClinVar variation 436890 (VCV000436890.15), dbSNP rs1555475529, ClinGen allele CA645373021.
Genomic context (GRCh38, chr16:682,407, plus strand): 5'-CCTTCTTGTCACTGCAGCGTGTGGGTCATTTTGACCCCGTGACCCGGAGCCCCCTGACCC[AG>A]GAACAGCTCATCCCCAACTTGGCTATGAAGGAGGTTATTGACGCATTCATCTCTGAGAAT-3'

ClinVar aggregate classification (germline): Conflicting classifications of pathogenicity. Review status: criteria provided, conflicting classifications (1 of 4 stars). 4 submissions from 4 submitters: Pathogenic (1); Likely pathogenic (1); Uncertain significance (1). 1 of the submissions does not count toward it. Last evaluated 2025-07-18.

Conditions:
Spinocerebellar ataxia 48. Identifiers: Orphanet 631103, MedGen C4748158, MONDO:0032526, OMIM 618093.

Submissions (4):

Institute of Human Genetics Munich, TUM University Hospital
Classification: Pathogenic for Spinocerebellar ataxia 48. Last evaluated: 2025-07-18. Review status: criteria provided, single submitter. Criteria: Classification criteria August 2017. Collection method: clinical testing. Allele origin: germline. Inheritance: Autosomal dominant inheritance. Affected: yes. Observed: 1 variant allele.

Labcorp Genetics (formerly Invitae), Labcorp
Classification: Likely pathogenic. Last evaluated: 2024-01-13. Review status: criteria provided, single submitter. Criteria: Invitae Variant Classification Sherloc (09022015). Collection method: clinical testing. Allele origin: germline.
Comment: This sequence change creates a premature translational stop signal (p.Glu278Asnfs*9) in the STUB1 gene. While this is not anticipated to result in nonsense mediated decay, it is expected to disrupt the last 26 amino acid(s) of the STUB1 protein. This variant is not present in population databases (gnomAD no frequency). This premature translational stop signal has been observed in individual(s) with autosomal dominant cerebellar ataxia (PMID: 34565360, 34906452). It has also been observed to segregate with disease in related individuals. ClinVar contains an entry for this variant (Variation ID: 436890). Algorithms developed to predict the effect of variants on protein structure and function are not available or were not evaluated for this variant. Experimental studies have shown that this premature translational stop signal affects STUB1 function (PMID: 34565360). Algorithms developed to predict the effect of sequence changes on RNA splicing suggest that this variant may disrupt the consensus splice site. In summary, the currently available evidence indicates that the variant is pathogenic, but additional data are needed to prove that conclusively. Therefore, this variant has been classified as Likely Pathogenic.

Blueprint Genetics
Classification: Uncertain significance. Last evaluated: 2017-07-20. Review status: criteria provided, single submitter. Criteria: ACMG Guidelines, 2015. Collection method: clinical testing. Allele origin: germline.

Genetic Services Laboratory, University of Chicago
Classification: Uncertain significance. Last evaluated: 2017-05-01. Review status: flagged submission. Criteria: ACMG Guidelines, 2015. Collection method: clinical testing. Allele origin: germline. Affected: no. Not counted in ClinVar's aggregate classification.
ClinVar note: Reason: Older claim that does not account for recent evidence

Literature cited by the submitters: PubMed 34565360 (cited by Labcorp Genetics (formerly Invitae), Labcorp); PubMed 34906452 (cited by Labcorp Genetics (formerly Invitae), Labcorp).